The following is an entry in ClinVar:

NM_022773.4(LMF1):c.242A>G (p.Asp81Gly)

Gene: LMF1 (lipase maturation factor 1; minus strand). Cytogenetic location: 16p13.3.
Variant type: single nucleotide variant.
Coding change: c.242A>G on transcript NM_022773.4 (MANE Select); coding-DNA position 242, A replaced by G.
Protein change: p.Asp81Gly; replaces aspartic acid 81 with glycine.
Molecular consequence: missense variant. On other transcripts: 5 prime UTR variant (4), non-coding transcript variant (1).
Genome position (GRCh38, 1-based): chr16:954,618, T>C on the plus strand (A>G on the coding strand, the complement: LMF1 is on the minus strand). VCF-style: chr16-954618-T-C. GRCh37 (hg19) VCF-style: chr16-1004618-T-C.
Other names: c.-562A>G (NM_001352017.2); c.-313A>G (NM_001352018.2); c.-86A>G (NM_001352019.2); c.242A>G, p.Asp81Gly (NM_001352020.1); c.-464A>G (NM_001352021.2); short protein forms D81G.
Identifiers: ClinVar variation 2451799 (VCV002451799.2), dbSNP rs1456811175, ClinGen allele CA394105764.

ClinVar aggregate classification (germline): Uncertain significance (1 of 4 stars; one submission).

Conditions:
Cardiovascular phenotype. Identifiers: MedGen CN230736.

Allele frequency attached by ClinVar (database versions not stated): gnomAD exomes below 0.00001; TOPMed 0.00001.
gnomAD v4.1: 2 of 1,609,466 alleles (0.00012%); highest among the groups gnomAD compares: African/African-American, 0.0027%; no homozygotes.

Submission:

Ambry Genetics
Classification: Uncertain significance for Cardiovascular phenotype. Last evaluated: 2022-12-25. Review status: criteria provided, single submitter. Criteria: Ambry Variant Classification Scheme 2023. Collection method: clinical testing. Allele origin: germline.
Comment: The p.D81G variant (also known as c.242A>G), located in coding exon 2 of the LMF1 gene, results from an A to G substitution at nucleotide position 242. The aspartic acid at codon 81 is replaced by glycine, an amino acid with similar properties. This amino acid position is conserved. In addition, this alteration is predicted to be tolerated by in silico analysis. Since supporting evidence is limited at this time, the clinical significance of this alteration remains unclear.